The following is an entry in ClinVar:

NM_000350.3(ABCA4):c.6746C>A (p.Ala2249Asp)

Gene: ABCA4 (ATP binding cassette subfamily A member 4; minus strand). Cytogenetic location: 1p22.1.
Variant type: single nucleotide variant.
Coding change: c.6746C>A on transcript NM_000350.3 (MANE Select); coding-DNA position 6746, C replaced by A.
Protein change: p.Ala2249Asp; replaces alanine 2249 with aspartic acid.
Molecular consequence: missense variant.
Genome position (GRCh38, 1-based): chr1:93,996,179, G>T on the plus strand (C>A on the coding strand, the complement: ABCA4 is on the minus strand). VCF-style: chr1-93996179-G-T. GRCh37 (hg19) VCF-style: chr1-94461735-G-T.
Other names: c.6524C>A, p.Ala2175Asp (NM_001425324.1); short protein forms A2249D, A2175D.
Identifiers: ClinVar variation 2910113 (VCV002910113.3), dbSNP rs2523609659, ClinGen allele CA341275807.

ClinVar aggregate classification (germline): Pathogenic (1 of 4 stars; one submission).

Allele frequency attached by ClinVar (database versions not stated): gnomAD exomes below 0.00001.
gnomAD v4.1: 2 of 1,613,864 alleles (0.00012%); highest among the groups gnomAD compares: South Asian, 0.0022%; no homozygotes.

Submission:

Labcorp Genetics (formerly Invitae), Labcorp
Classification: Pathogenic. Last evaluated: 2024-09-23. Review status: criteria provided, single submitter. Criteria: Invitae Variant Classification Sherloc (09022015). Collection method: clinical testing. Allele origin: germline.
Comment: This sequence change replaces alanine, which is neutral and non-polar, with aspartic acid, which is acidic and polar, at codon 2249 of the ABCA4 protein (p.Ala2249Asp). This variant is not present in population databases (gnomAD no frequency). This missense change has been observed in individual(s) with ABCA4-related conditions and/or Stargardt disease (PMID: 29555955, 30060493; internal data). In at least one individual the data is consistent with being in trans (on the opposite chromosome) from a pathogenic variant. Invitae Evidence Modeling of protein sequence and biophysical properties (such as structural, functional, and spatial information, amino acid conservation, physicochemical variation, residue mobility, and thermodynamic stability) indicates that this missense variant is expected to disrupt ABCA4 protein function with a positive predictive value of 95%. For these reasons, this variant has been classified as Pathogenic.

Literature cited by the submitters: PubMed 29555955; PubMed 30060493.